The following is an entry in ClinVar:

NM_001193313.2(SUGCT):c.245G>C (p.Arg82Pro)

Gene: SUGCT (succinyl-CoA:glutarate-CoA transferase; plus strand). Cytogenetic location: 7p14.1.
Variant type: single nucleotide variant.
Coding change: c.245G>C on transcript NM_001193313.2 (MANE Select); coding-DNA position 245, G replaced by C.
Protein change: p.Arg82Pro; replaces arginine 82 with proline.
Molecular consequence: missense variant.
Genome position (GRCh38, 1-based): chr7:40,188,513, G>C. VCF-style: chr7-40188513-G-C. GRCh37 (hg19) VCF-style: chr7-40228112-G-C.
Other names: c.266G>C (NM_024728.2); c.245G>C, p.Arg82Pro (NM_001193311.2, NM_001193312.2, NM_024728.3); short protein forms R82P.
Identifiers: ClinVar variation 2074660 (VCV002074660.3), dbSNP rs200690632, ClinGen allele CA4229403.
Genomic context (GRCh38, chr7:40,188,513, plus strand): 5'-AAACAAACCCCAAAGATTAATAGCTCATGTTATTATTTTCAGGAGCTGGTGATGATACAC[G>C]AACTTGGGGGCCACCTTTTGTTGGGACAGAAAGTACATATTATCTCAGTGTTAACCGAAA-3'
Protein context (NP_001180242.2, residues 72-92): VERPGAGDDT[Arg82Pro]TWGPPFVGTE

ClinVar aggregate classification (germline): Uncertain significance. Review status: criteria provided, multiple submitters, no conflicts (2 of 4 stars). 3 submissions from 3 submitters: Uncertain significance (3). Last evaluated 2024-09-16.

Allele frequency attached by ClinVar (database versions not stated): ESP Exome Variant Server 0.00025.
gnomAD v4.1: 401 of 1,604,758 alleles (0.025%); highest among the groups gnomAD compares: Non-Finnish European, 0.032%; 1 homozygote.

Submissions (3):

Blueprint Genetics
Classification: Uncertain significance. Last evaluated: 2024-09-16. Review status: criteria provided, single submitter. Criteria: ACMG Guidelines, 2015. Collection method: clinical testing. Allele origin: germline.

Ambry Genetics
Classification: Uncertain significance. Last evaluated: 2024-02-06. Review status: criteria provided, single submitter. Criteria: Ambry Variant Classification Scheme 2023. Collection method: clinical testing. Allele origin: germline.

Labcorp Genetics (formerly Invitae), Labcorp
Classification: Uncertain significance. Last evaluated: 2022-06-02. Review status: criteria provided, single submitter. Criteria: Invitae Variant Classification Sherloc (09022015). Collection method: clinical testing. Allele origin: germline.
Comment: This sequence change replaces arginine, which is basic and polar, with proline, which is neutral and non-polar, at codon 89 of the SUGCT protein (p.Arg89Pro). This variant is present in population databases (rs200690632, gnomAD 0.03%). This variant has not been reported in the literature in individuals affected with SUGCT-related conditions. Algorithms developed to predict the effect of missense changes on protein structure and function are either unavailable or do not agree on the potential impact of this missense change (SIFT: "Deleterious"; PolyPhen-2: "Not Available"; Align-GVGD: "Class C65"). In summary, the available evidence is currently insufficient to determine the role of this variant in disease. Therefore, it has been classified as a Variant of Uncertain Significance.